The following is an entry in ClinVar:

NM_001135022.2(ELMOD3):c.129+5G>A

Gene: ELMOD3 (ELMO domain containing 3; plus strand). Cytogenetic location: 2p11.2.
Variant type: single nucleotide variant.
Coding change: c.129+5G>A on transcript NM_001135022.2 (MANE Select); 5 bases into the intron after coding-DNA position 129, G replaced by A.
Molecular consequence: intron variant.
Genome position (GRCh38, 1-based): chr2:85,362,265, G>A. VCF-style: chr2-85362265-G-A. GRCh37 (hg19) VCF-style: chr2-85589388-G-A.
Other names: c.129+5G>A (NM_001135021.2, NM_001135023.2, NM_001329792.2 and 3 more transcripts).
Identifiers: ClinVar variation 2727876 (VCV002727876.4), dbSNP rs375905273, ClinGen allele CA1740200.
Genomic context (GRCh38, chr2:85,362,265, plus strand): 5'-GATATTCTCCATCATATGACAAGGACAAGAGTGTTCTGGCTTTCAGAGGAATCCCTGTAT[G>A]TATCACCCACAACTTGGTACCTTCTGCCAGGGCTTTTGTTGTGTGTTACTGTGTGGTGCC-3'

ClinVar aggregate classification (germline): Uncertain significance (1 of 4 stars; one submission).

Allele frequency attached by ClinVar (database versions not stated): ESP Exome Variant Server 0.00008; TOPMed 0.00015; ExAC 0.00016; gnomAD 0.00016.

Submissions (4):

Labcorp Genetics (formerly Invitae), Labcorp
Classification: Uncertain significance. Last evaluated: 2024-10-17. Review status: criteria provided, single submitter. Criteria: Invitae Variant Classification Sherloc (09022015). Collection method: clinical testing. Allele origin: germline.
Comment: This sequence change falls in intron 6 of the ELMOD3 gene. It does not directly change the encoded amino acid sequence of the ELMOD3 protein. It affects a nucleotide within the consensus splice site. This variant is present in population databases (rs375905273, gnomAD 0.04%). This variant has not been reported in the literature in individuals affected with ELMOD3-related conditions. Variants that disrupt the consensus splice site are a relatively common cause of aberrant splicing (PMID: 17576681, 9536098). Algorithms developed to predict the effect of sequence changes on RNA splicing suggest that this variant may disrupt the consensus splice site. In summary, the available evidence is currently insufficient to determine the role of this variant in disease. Therefore, it has been classified as a Variant of Uncertain Significance.

Dr. Peter K. Rogan Lab, Western University
No classification provided (evidence only). Condition: Familial cancer of breast. Review status: no classification provided. Collection method: in vitro. Allele origin: not applicable. Functional consequence: retained intron. Not counted in ClinVar's aggregate classification.

Dr. Peter K. Rogan Lab, Western University
No classification provided (evidence only). Condition: Familial cancer of breast. Review status: no classification provided. Collection method: in vitro. Allele origin: not applicable. Functional consequence: retained intron. Not counted in ClinVar's aggregate classification.

Dr. Peter K. Rogan Lab, Western University
No classification provided (evidence only). Condition: Ovarian cancer. Review status: no classification provided. Collection method: in vitro. Allele origin: not applicable. Functional consequence: retained intron. Not counted in ClinVar's aggregate classification.

Literature cited by the submitters: PubMed 17576681 (cited by Labcorp Genetics (formerly Invitae), Labcorp); PubMed 9536098 (cited by Labcorp Genetics (formerly Invitae), Labcorp).